The following is an entry in ClinVar:

ClinVar aggregate classification (germline): Uncertain significance (1 of 4 stars; one submission).

Submission:

GeneDx
Classification: Uncertain significance. Last evaluated: 2025-04-09. Review status: criteria provided, single submitter. Criteria: GeneDx Variant Classification Process June 2021. Collection method: clinical testing. Allele origin: germline. Affected: yes.
Comment: Not observed at significant frequency in large population cohorts (gnomAD); In silico analysis indicates that this missense variant does not alter protein structure/function; Has not been previously published as pathogenic or benign to our knowledge

NM_015021.3(ZNF292):c.1091A>G (p.Asn364Ser)

Gene: ZNF292 (zinc finger protein 292; plus strand). Cytogenetic location: 6q14.3.
Variant type: single nucleotide variant.
Coding change: c.1091A>G on transcript NM_015021.3 (MANE Select); coding-DNA position 1091, A replaced by G.
Protein change: p.Asn364Ser; replaces asparagine 364 with serine.
Molecular consequence: missense variant.
Genome position (GRCh38, 1-based): chr6:87,254,720, A>G. VCF-style: chr6-87254720-A-G. GRCh37 (hg19) VCF-style: chr6-87964438-A-G.
Other names: c.671A>G, p.Asn224Ser (NM_001351444.2); short protein forms N224S, N364S.
Identifiers: ClinVar variation 4282402 (VCV004282402.1).